The following is an entry in ClinVar:

NM_001164277.2(SLC37A4):c.1049G>T (p.Gly350Val)

Gene: SLC37A4 (solute carrier family 37 member 4; minus strand). Cytogenetic location: 11q23.3.
Variant type: single nucleotide variant.
Coding change: c.1049G>T on transcript NM_001164277.2 (MANE Select); coding-DNA position 1049, G replaced by T.
Protein change: p.Gly350Val; replaces glycine 350 with valine.
Molecular consequence: missense variant.
Genome position (GRCh38, 1-based): chr11:119,025,265, C>A on the plus strand (G>T on the coding strand, the complement: SLC37A4 is on the minus strand). VCF-style: chr11-119025265-C-A. GRCh37 (hg19) VCF-style: chr11-118895975-C-A.
Other names: c.1115G>T, p.Gly372Val (NM_001164278.2); c.830G>T, p.Gly277Val (NM_001164279.2); c.1049G>T, p.Gly350Val (NM_001164280.2, NM_001467.6); short protein forms G277V, G350V, G372V.
Identifiers: ClinVar variation 3234897 (VCV003234897.1), dbSNP rs2497011945, ClinGen allele CA382895883.

ClinVar aggregate classification (germline): Uncertain significance (1 of 4 stars; one submission).

Conditions:
Glucose-6-phosphate transport defect (GSD1B). Also called: Glycogen Storage Disease Type Ib; GSD Ib. Identifiers: Orphanet 364, Orphanet 79259, MedGen C0268146, MONDO:0009288, OMIM 232220.

Submission:

Neuberg Centre For Genomic Medicine, NCGM
Classification: Uncertain significance for Glucose-6-phosphate transport defect. Review status: criteria provided, single submitter. Criteria: ACMG Guidelines, 2015. Collection method: clinical testing. Allele origin: germline. Inheritance: Autosomal recessive inheritance. Affected: yes.
Comment: The missense c.1049G>T p.Gly350Val variant in the SLC37A4 gene has not been reported previously as a pathogenic variant nor as a benign variant, to our knowledge. The variant is novel not in any individuals in gnomAD Exomes and 1000 Genomes. The amino acid Glycine at position 350 is changed to a Valine changing protein sequence and it might alter its composition and physico-chemical properties. The variant is predicted as damaging by SIFT. The amino acid change p.Gly350Val in SLC37A4 is predicted as conserved by GERP++ and PhyloP across 100 vertebrates. For these reasons, this variant has been classified as Uncertain Significance.